The following is an entry in ClinVar:

ClinVar aggregate classification (germline): Uncertain significance (1 of 4 stars; one submission).

Conditions:
Singleton-Merten syndrome 1 (SGMRT1). Also called: Widened medullary cavities of bone, aortic calcification, abnormal dentition, and muscular weakness; Syndrome of widened medullary cavities of the metacarpals and phalanges, aortic calcification and abnormal dentition. Identifiers: Orphanet 85191, MedGen C4225427, MONDO:0024535, OMIM 182250.
Aicardi-Goutieres syndrome 7 (AGS7). Identifiers: Orphanet 51, MedGen C3888244, MONDO:0014367, OMIM 615846.

Allele frequency attached by ClinVar (database versions not stated): gnomAD exomes below 0.00001.
gnomAD v4.1: 1 of 1,612,216 alleles (0.000062%); highest among the groups gnomAD compares: South Asian, 0.0011%; no homozygotes.

Submission:

Labcorp Genetics (formerly Invitae), Labcorp
Classification: Uncertain significance for Aicardi-Goutieres syndrome 7; Singleton-Merten syndrome 1. Last evaluated: 2019-06-15. Review status: criteria provided, single submitter. Criteria: Invitae Variant Classification Sherloc (09022015). Collection method: clinical testing. Allele origin: germline.
Comment: This variant is not present in population databases (ExAC no frequency). In summary, the available evidence is currently insufficient to determine the role of this variant in disease. Therefore, it has been classified as a Variant of Uncertain Significance. Algorithms developed to predict the effect of missense changes on protein structure and function are either unavailable or do not agree on the potential impact of this missense change (SIFT: "Deleterious"; PolyPhen-2: "Probably Damaging"; Align-GVGD: "Class C15"). This variant has not been reported in the literature in individuals with IFIH1-related conditions. This sequence change replaces isoleucine with threonine at codon 411 of the IFIH1 protein (p.Ile411Thr). The isoleucine residue is highly conserved and there is a moderate physicochemical difference between isoleucine and threonine.

NM_022168.4(IFIH1):c.1232T>C (p.Ile411Thr)

Gene: IFIH1 (interferon induced with helicase C domain 1; minus strand). Cytogenetic location: 2q24.2.
Variant type: single nucleotide variant.
Coding change: c.1232T>C on transcript NM_022168.4 (MANE Select); coding-DNA position 1232, T replaced by C.
Protein change: p.Ile411Thr; replaces isoleucine 411 with threonine.
Molecular consequence: missense variant.
Genome position (GRCh38, 1-based): chr2:162,282,440, A>G on the plus strand (T>C on the coding strand, the complement: IFIH1 is on the minus strand). VCF-style: chr2-162282440-A-G. GRCh37 (hg19) VCF-style: chr2-163138950-A-G.
Other names: short protein forms I411T.
Identifiers: ClinVar variation 937851 (VCV000937851.9), dbSNP rs1682827216, ClinGen allele CA349002800.